The following is an entry in ClinVar:

ClinVar aggregate classification (germline): Uncertain significance (1 of 4 stars; one submission).

Conditions:
Hereditary cancer-predisposing syndrome. Also called: Neoplastic Syndromes, Hereditary; Tumor predisposition; Hereditary neoplastic syndrome; Hereditary Cancer Syndrome. Identifiers: Orphanet 140162, MedGen C0027672, MeSH D009386, MONDO:0015356.

Submission:

Ambry Genetics
Classification: Uncertain significance for Hereditary cancer-predisposing syndrome. Last evaluated: 2026-07-09. Review status: criteria provided, single submitter. Criteria: Ambry Variant Classification Scheme 2023. Collection method: clinical testing. Allele origin: germline.
Comment: The p.Y61H variant (also known as c.181T>C), located in coding exon 3 of the PMS2 gene, results from a T to C substitution at nucleotide position 181. The tyrosine at codon 61 is replaced by histidine, an amino acid with similar properties. This amino acid position is conserved. In addition, this alteration is predicted to be tolerated by in silico analysis. Based on the available evidence, the clinical significance of this variant remains unclear.

NM_000535.7(PMS2):c.181T>C (p.Tyr61His)

Gene: PMS2 (PMS1 homolog 2, mismatch repair system component; minus strand). Cytogenetic location: 7p22.1.
Variant type: single nucleotide variant.
Coding change: c.181T>C on transcript NM_000535.7 (MANE Select); coding-DNA position 181, T replaced by C.
Protein change: p.Tyr61His; replaces tyrosine 61 with histidine.
Molecular consequence: missense variant. On other transcripts: 5 prime UTR variant (44), non-coding transcript variant (1), intron variant (1).
Genome position (GRCh38, 1-based): chr7:6,004,041, A>G on the plus strand (T>C on the coding strand, the complement: PMS2 is on the minus strand). VCF-style: chr7-6004041-A-G. GRCh37 (hg19) VCF-style: chr7-6043672-A-G.
Other names: c.-225T>C (NM_001322003.2, NM_001322004.2, NM_001322005.2 and 13 more transcripts); c.181T>C, p.Tyr61His (NM_001322006.2, NM_001322014.2, NM_001406868.1 and 10 more transcripts); c.-35T>C (NM_001322007.2, NM_001322008.2, NM_001406876.1 and 4 more transcripts); c.-704T>C (NM_001322011.2, NM_001322012.2); c.-304T>C (NM_001322015.2, NM_001406875.1, NM_001406877.1 and 3 more transcripts); c.367T>C, p.Tyr123His (NM_001406866.1); c.-251T>C (NM_001406880.1); c.-201T>C (NM_001406881.1, NM_001406900.1); and 3 more; short protein forms Y61H, Y123H.
Identifiers: ClinVar variation 5026924 (VCV005026924.1).